The following is an entry in ClinVar:

ClinVar aggregate classification (germline): Uncertain significance (1 of 4 stars; one submission).

gnomAD v4.1: 3 of 1,605,622 alleles (0.00019%); highest among the groups gnomAD compares: East Asian, 0.0067%; no homozygotes.

Submission:

GeneDx
Classification: Uncertain significance. Last evaluated: 2024-02-13. Review status: criteria provided, single submitter. Criteria: GeneDx Variant Classification Process June 2021. Collection method: clinical testing. Allele origin: germline. Affected: yes.
Comment: Not observed at significant frequency in large population cohorts (gnomAD); In silico analysis supports that this missense variant has a deleterious effect on protein structure/function; Has not been previously published as pathogenic or benign to our knowledge

NM_021098.3(CACNA1H):c.5361G>T (p.Arg1787Ser)

Gene: CACNA1H (calcium voltage-gated channel subunit alpha1 H; plus strand). Cytogenetic location: 16p13.3.
Variant type: single nucleotide variant.
Coding change: c.5361G>T on transcript NM_021098.3 (MANE Select); coding-DNA position 5361, G replaced by T.
Protein change: p.Arg1787Ser; replaces arginine 1787 with serine.
Molecular consequence: missense variant.
Genome position (GRCh38, 1-based): chr16:1,217,956, G>T. VCF-style: chr16-1217956-G-T. GRCh37 (hg19) VCF-style: chr16-1267956-G-T.
Other names: c.5343G>T, p.Arg1781Ser (NM_001005407.2); short protein forms R1781S, R1787S.
Identifiers: ClinVar variation 3368869 (VCV003368869.1).